The following is an entry in ClinVar:

NM_001267550.2(TTN):c.11311+1595T>A

Gene: TTN (titin; minus strand). Cytogenetic location: 2q31.2.
Variant type: single nucleotide variant.
Coding change: c.11311+1595T>A on transcript NM_001267550.2 (MANE Select); 1595 bases into the intron after coding-DNA position 11311, T replaced by A.
Molecular consequence: intron variant. On other transcripts: missense variant (1).
Genome position (GRCh38, 1-based): chr2:178,751,529, A>T on the plus strand (T>A on the coding strand, the complement: TTN is on the minus strand). VCF-style: chr2-178751529-A-T. GRCh37 (hg19) VCF-style: chr2-179616256-A-T.
Other names: c.10871T>A, p.Val3624Asp (NM_133379.5); c.10222+1595T>A (NM_003319.4); c.10798+1595T>A (NM_133437.4); c.10597+1595T>A (NM_133432.3); c.10360+1595T>A (NM_133378.4, NM_001256850.1); short protein forms V3624D.
Identifiers: ClinVar variation 4998151 (VCV004998151.1).
Genomic context (GRCh38, chr2:178,751,529, plus strand): 5'-TTGTTAAAGGGAGAGCCAGTAAACCTCAGGTCAACCTTTATCCTATCTTCTCCCCTTTCA[A>T]CTAAAGCCTCCACATTTTCATGTGTCCGTTCTGCTCTTTTCAGAAATTCTAAATATTTCT-3'

ClinVar aggregate classification (germline): Uncertain significance (1 of 4 stars; one submission).

Conditions:
TTN-related disorder. Also called: TTN-related disorders; TTN-related condition; TTN-related disease.

gnomAD v4.1: 5 of 1,613,282 alleles (0.00031%); highest among the groups gnomAD compares: African/African-American, 0.0067%; no homozygotes.

Submission:

PreventionGenetics, part of Exact Sciences
Classification: Uncertain significance for TTN-related condition. Last evaluated: 2026-02-11. Review status: criteria provided, single submitter. Criteria: ACMG Guidelines, 2015. Collection method: clinical testing. Allele origin: germline.
Comment: The TTN c.11311+1595T>A variant is predicted to interfere with splicing. This variant is also referred to as c.10871T>A (p.Val3624Asp) in the Novex-3 transcript NM_133379. This variant is located in exon 46 of the Novex-3 transcript (minor small cardiac isoform) which is the last exon of this transcript. This exon is not included in any other TTN transcripts (principle cardiac or skeletal muscle isoforms). To our knowledge, this variant has not been reported in the literature. This variant is reported in 0.012% of alleles in individuals of African descent in gnomAD. At this time, the clinical significance of this variant is uncertain due to the absence of conclusive functional and genetic evidence.